The following is an entry in ClinVar:

ClinVar aggregate classification (germline): Uncertain significance (1 of 4 stars; one submission).

gnomAD v4.1: 2 of 1,612,948 alleles (0.00012%); highest among the groups gnomAD compares: East Asian, 0.0022%; no homozygotes.

Submission:

GeneDx
Classification: Uncertain significance. Last evaluated: 2025-07-15. Review status: criteria provided, single submitter. Criteria: GeneDx Variant Classification Process June 2021. Collection method: clinical testing. Allele origin: germline. Affected: yes.
Comment: Not observed at significant frequency in large population cohorts (gnomAD); In silico analysis supports that this missense variant has a deleterious effect on protein structure/function; Has not been previously published as pathogenic or benign to our knowledge

NM_004371.4(COPA):c.368A>T (p.Gln123Leu)

Gene: COPA (coat protein complex I subunit alpha; minus strand). Cytogenetic location: 1q23.2.
Variant type: single nucleotide variant.
Coding change: c.368A>T on transcript NM_004371.4 (MANE Select); coding-DNA position 368, A replaced by T.
Protein change: p.Gln123Leu; replaces glutamine 123 with leucine.
Molecular consequence: missense variant.
Genome position (GRCh38, 1-based): chr1:160,333,621, T>A on the plus strand (A>T on the coding strand, the complement: COPA is on the minus strand). VCF-style: chr1-160333621-T-A. GRCh37 (hg19) VCF-style: chr1-160303411-T-A.
Other names: c.368A>T, p.Gln123Leu (NM_001098398.2); short protein forms Q123L.
Identifiers: ClinVar variation 4686352 (VCV004686352.1).
Genomic context (GRCh38, chr1:160,333,621, plus strand): 5'-AAAAATGAAGACTCTTTTCGAGCCCTCTGCCTCCTGCTTTACCAAACACAGGTTCTAGAT[T>A]GCCAGTTCCACACTCGGATGGTCTGATCATCGGAGGCACTCAGAATCCAGGGATATTCCT-3'
Protein context (NP_004362.2, residues 113-133): DDQTIRVWNW[Gln123Leu]SRTCVCVLTG